The following is an entry in ClinVar:

NM_006846.4(SPINK5):c.1615_1619del (p.Glu539fs)

Gene: SPINK5 (serine peptidase inhibitor Kazal type 5; plus strand). Cytogenetic location: 5q32.
Variant type: Deletion.
Coding change: c.1615_1619del on transcript NM_006846.4 (MANE Select); coding-DNA positions 1615 to 1619, 5 bases deleted (GAAGA; older notation c.1615_1619delGAAGA).
Protein change: p.Glu539fs; shifts the reading frame from glutamic acid 539.
Molecular consequence: frameshift variant.
Genome position (GRCh38, 1-based): chr5:148,108,760-148,108,764, GAAGA deleted. VCF-style (leftmost placement, unchanged base first): chr5-148108759-TGAAGA-T. GRCh37 (hg19) VCF-style: chr5-147488322-TGAAGA-T.
Other names: c.1615_1619del, p.Glu539fs (NM_001127698.2, NM_001127699.2); c.1615_1619delGAAGA (NM_006846.3); short protein forms E539fs.
Identifiers: ClinVar variation 451204 (VCV000451204.2), dbSNP rs1554105205, ClinGen allele CA658657549.

ClinVar aggregate classification (germline): Pathogenic (1 of 4 stars; one submission).

Submission:

GeneDx
Classification: Pathogenic. Last evaluated: 2017-08-16. Review status: criteria provided, single submitter. Criteria: GeneDx Variant Classification (06012015). Collection method: clinical testing. Allele origin: germline. Affected: yes.
Comment: The c.1615_1619delGAAGA variant in the SPINK5 gene has not been reported previously as a pathogenic variant nor as a benign variant, to our knowledge. This variant causes a frameshift starting with codon Glutamic Acid 539, changes this amino acid to an Arginine residue, and creates a premature Stop codon at position 6 of the new reading frame, denoted p.Glu539ArgfsX6. This variant is predicted to cause loss of normal protein function either through protein truncation or nonsense-mediated mRNA decay. The c.1615_1619delGAAGA variant is not observed in large population cohorts (Lek et al., 2016; 1000 Genomes Consortium et al., 2015; Exome Variant Server). We interpret c.1615_1619delGAAGA as a pathogenic variant.